The following is an entry in ClinVar:

NM_000051.4(ATM):c.8525C>T (p.Pro2842Leu)

Genes: ATM (ATM serine/threonine kinase; plus strand), C11orf65 (chromosome 11 open reading frame 65; minus strand). Cytogenetic location: 11q22.3.
Variant type: single nucleotide variant.
Coding change: c.8525C>T on transcript NM_000051.4 (MANE Select); coding-DNA position 8525, C replaced by T.
Protein change: p.Pro2842Leu; replaces proline 2842 with leucine.
Molecular consequence: missense variant. On other transcripts: intron variant (2).
Genome position (GRCh38, 1-based): chr11:108,345,849, C>T. VCF-style: chr11-108345849-C-T. GRCh37 (hg19) VCF-style: chr11-108216576-C-T.
Other names: c.695-10557G>A (NM_001351110.2); c.8525C>T, p.Pro2842Leu (NM_001351834.2); c.641-36778G>A (NM_001330368.2); short protein forms P2842L.
Identifiers: ClinVar variation 1444718 (VCV001444718.9), dbSNP rs879254065, ClinGen allele CA382518330.

ClinVar aggregate classification (germline): Uncertain significance. Review status: criteria provided, multiple submitters, no conflicts (2 of 4 stars). 2 submissions from 2 submitters: Uncertain significance (2). Last evaluated 2025-11-25.

Conditions:
Ataxia-telangiectasia syndrome (AT). Also called: Ataxia-telangiectasia; LOUIS-BAR SYNDROME; Ataxia-telangiectasia, complementation group D; AT, COMPLEMENTATION GROUP C; ATAXIA-TELANGIECTASIA, COMPLEMENTATION GROUP A; ATAXIA-TELANGIECTASIA, FRESNO VARIANT. Identifiers: Orphanet 100, MedGen C0004135, MONDO:0008840, OMIM 208900.
Hereditary cancer-predisposing syndrome. Also called: Tumor predisposition; Neoplastic Syndromes, Hereditary; Hereditary Cancer Syndrome; Hereditary neoplastic syndrome. Identifiers: Orphanet 140162, MedGen C0027672, MeSH D009386, MONDO:0015356.

gnomAD v4.1: 1 of 1,613,790 alleles (0.000062%); highest among the groups gnomAD compares: South Asian, 0.0011%; no homozygotes.

Submissions (2):

Ambry Genetics
Classification: Uncertain significance for Hereditary cancer-predisposing syndrome. Last evaluated: 2025-11-25. Review status: criteria provided, single submitter. Criteria: Ambry Variant Classification Scheme 2023. Collection method: clinical testing. Allele origin: germline.
Comment: The p.P2842L variant (also known as c.8525C>T), located in coding exon 57 of the ATM gene, results from a C to T substitution at nucleotide position 8525. The proline at codon 2842 is replaced by leucine, an amino acid with similar properties. This amino acid position is highly conserved in available vertebrate species. In addition, this alteration is predicted to be deleterious by in silico analysis. Based on the available evidence, the clinical significance of this variant remains unclear.

Labcorp Genetics (formerly Invitae), Labcorp
Classification: Uncertain significance for Ataxia-telangiectasia syndrome. Last evaluated: 2025-01-27. Review status: criteria provided, single submitter. Criteria: Invitae Variant Classification Sherloc (09022015). Collection method: clinical testing. Allele origin: germline.
Comment: This sequence change replaces proline, which is neutral and non-polar, with leucine, which is neutral and non-polar, at codon 2842 of the ATM protein (p.Pro2842Leu). This variant is not present in population databases (gnomAD no frequency). This variant has not been reported in the literature in individuals affected with ATM-related conditions. This suggests that this variant may not be disease-causing. ClinVar contains an entry for this variant (Variation ID: 1444718). Invitae Evidence Modeling of protein sequence and biophysical properties (such as structural, functional, and spatial information, amino acid conservation, physicochemical variation, residue mobility, and thermodynamic stability) indicates that this missense variant is expected to disrupt ATM protein function with a positive predictive value of 95%. In summary, the available evidence is currently insufficient to determine the role of this variant in disease. Therefore, it has been classified as a Variant of Uncertain Significance.